The following is an entry in ClinVar:

NM_000535.7(PMS2):c.1553del (p.Glu518fs)

Gene: PMS2 (PMS1 homolog 2, mismatch repair system component; minus strand). Cytogenetic location: 7p22.1.
Variant type: Deletion.
Coding change: c.1553del on transcript NM_000535.7 (MANE Select); coding-DNA position 1553, one base deleted (A; older notation c.1553delA).
Protein change: p.Glu518fs; shifts the reading frame from glutamic acid 518.
Molecular consequence: frameshift variant. On other transcripts: non-coding transcript variant (1).
Genome position (GRCh38, 1-based): chr7:5,987,212, T deleted on the plus strand (A on the coding strand, the reverse complement: PMS2 is on the minus strand). VCF-style (leftmost placement, unchanged base first): chr7-5987211-CT-C. GRCh37 (hg19) VCF-style: chr7-6026842-CT-C.
Other names: c.1148del, p.Glu383fs (NM_001322003.2, NM_001322004.2, NM_001322005.2 and 1 more transcripts); c.1397del, p.Glu466fs (NM_001322006.2); c.1235del, p.Glu412fs (NM_001322007.2, NM_001322008.2); c.992del, p.Glu331fs (NM_001322010.2); c.620del, p.Glu207fs (NM_001322011.2, NM_001322012.2); c.980del, p.Glu327fs (NM_001322013.2); c.1553del, p.Glu518fs (NM_001322014.2); c.1244del, p.Glu415fs (NM_001322015.2); short protein forms E207fs, E466fs, E327fs, E331fs, E412fs, E415fs, E518fs, E383fs.
Identifiers: ClinVar variation 660996 (VCV000660996.9), dbSNP rs1583318494, ClinGen allele CA915944866.
Genomic context (GRCh38, chr7:5,987,211, plus strand): 5'-TTTCTCCTGAGAGTCCACATGTTCCTGCGAGCCCCTGTCCCCTGGGGAGCTGGCCGCATA[CT>C]CGCTGCTGCAGTGACTGCCCGTGTCTGGGATGCTGAACCCCTCAGAATCCACGGAAGTGC-3'

ClinVar aggregate classification (germline): Pathogenic. Review status: criteria provided, multiple submitters, no conflicts (2 of 4 stars). 2 submissions from 2 submitters: Pathogenic (2). Last evaluated 2018-11-14.

Conditions:
Hereditary cancer-predisposing syndrome. Also called: Neoplastic Syndromes, Hereditary; Tumor predisposition; Hereditary neoplastic syndrome; Hereditary Cancer Syndrome. Identifiers: Orphanet 140162, MedGen C0027672, MeSH D009386, MONDO:0015356.
Hereditary nonpolyposis colorectal neoplasms. Identifiers: MedGen C0009405, MeSH D003123.

Submissions (2):

Labcorp Genetics (formerly Invitae), Labcorp
Classification: Pathogenic for Hereditary nonpolyposis colorectal neoplasms. Last evaluated: 2018-11-14. Review status: criteria provided, single submitter. Criteria: Invitae Variant Classification Sherloc (09022015). Collection method: clinical testing. Allele origin: germline.
Comment: This sequence change creates a premature translational stop signal (p.Glu518Glyfs*77) in the PMS2 gene. It is expected to result in an absent or disrupted protein product. This variant is not present in population databases (ExAC no frequency). This variant has not been reported in the literature in individuals with PMS2-related disease. Loss-of-function variants in PMS2 are known to be pathogenic (PMID: 21376568, 24362816). For these reasons, this variant has been classified as Pathogenic.

Ambry Genetics
Classification: Pathogenic for Hereditary cancer-predisposing syndrome. Last evaluated: 2018-03-08. Review status: criteria provided, single submitter. Criteria: Ambry Variant Classification Scheme 2023. Collection method: clinical testing. Allele origin: germline.
Comment: The c.1553delA pathogenic mutation, located in coding exon 11 of the PMS2 gene, results from a deletion of one nucleotide at nucleotide position 1553, causing a translational frameshift with a predicted alternate stop codon (p.E518Gfs*77). This alteration is expected to result in loss of function by premature protein truncation or nonsense-mediated mRNA decay. As such, this alteration is interpreted as a disease-causing mutation.

Literature cited by the submitters: PubMed 21376568 (cited by Labcorp Genetics (formerly Invitae), Labcorp); PubMed 24362816 (cited by Labcorp Genetics (formerly Invitae), Labcorp).